The following is an entry in ClinVar:

NM_172362.3(KCNH1):c.604G>A (p.Ala202Thr)

Gene: KCNH1 (potassium voltage-gated channel subfamily H member 1; minus strand). Cytogenetic location: 1q32.2.
Variant type: single nucleotide variant.
Coding change: c.604G>A on transcript NM_172362.3 (MANE Select); coding-DNA position 604, G replaced by A.
Protein change: p.Ala202Thr; replaces alanine 202 with threonine.
Molecular consequence: missense variant.
Genome position (GRCh38, 1-based): chr1:211,019,211, C>T on the plus strand (G>A on the coding strand, the complement: KCNH1 is on the minus strand). VCF-style: chr1-211019211-C-T. GRCh37 (hg19) VCF-style: chr1-211192553-C-T.
Other names: c.604G>A, p.Ala202Thr (NM_002238.4); short protein forms A202T.
Identifiers: ClinVar variation 3633740 (VCV003633740.2).

ClinVar aggregate classification (germline): Uncertain significance (1 of 4 stars; one submission).

Submission:

Labcorp Genetics (formerly Invitae), Labcorp
Classification: Uncertain significance. Last evaluated: 2024-11-07. Review status: criteria provided, single submitter. Criteria: Invitae Variant Classification Sherloc (09022015). Collection method: clinical testing. Allele origin: germline.
Comment: This sequence change replaces alanine, which is neutral and non-polar, with threonine, which is neutral and polar, at codon 202 of the KCNH1 protein (p.Ala202Thr). This variant is not present in population databases (gnomAD no frequency). This variant has not been reported in the literature in individuals affected with KCNH1-related conditions. Invitae Evidence Modeling of protein sequence and biophysical properties (such as structural, functional, and spatial information, amino acid conservation, physicochemical variation, residue mobility, and thermodynamic stability) has been performed for this missense variant. However, the output from this modeling did not meet the statistical confidence thresholds required to predict the impact of this variant on KCNH1 protein function. In summary, the available evidence is currently insufficient to determine the role of this variant in disease. Therefore, it has been classified as a Variant of Uncertain Significance.